The following is an entry in ClinVar:

NM_174936.4(PCSK9):c.95AGGACG[3] (p.32ED[3])

Gene: PCSK9 (proprotein convertase subtilisin/kexin type 9; plus strand). Cytogenetic location: 1p32.3.
Variant type: Microsatellite.
Coding change: c.95AGGACG[3] on transcript NM_174936.4 (MANE Select); three copies in a row of the 6-base unit AGGACG starting at c.95; the reference has two copies in a row; one copy, 6 bases duplicated; also written c.101_106dup.
Protein change: p.32ED[3].
Molecular consequence: inframe insertion.
Genome position (GRCh38, 1-based): chr1:55,039,938-55,039,943, AGGACG duplicated; duplicating any 6 consecutive bases within chr1:55,039,931-55,039,943 gives the same sequence; the position shown is the placement nearest the transcript's 3' end. VCF-style (leftmost placement, unchanged base first): chr1-55039930-G-GGAGGAC. GRCh37 (hg19) VCF-style: chr1-55505603-G-GGAGGAC.
Other names: c.101_106dup (NM_174936.3).
Identifiers: ClinVar variation 698635 (VCV000698635.16), dbSNP rs746705490, ClinGen allele CA045097.
Genomic context (GRCh38, chr1:55,039,930, plus strand): 5'-GCCGCTGCCACTGCTGCTGCTGCTGCTGCTGCTCCTGGGTCCCGCGGGCGCCCGTGCGCA[G>GGAGGAC]GAGGACGAGGACGGCGACTACGAGGAGCTGGTGCTAGCCTTGCGTTCCGAGGAGGACGGC-3'

ClinVar aggregate classification (germline): Conflicting classifications of pathogenicity. Review status: criteria provided, conflicting classifications (1 of 4 stars). 4 submissions from 4 submitters: Uncertain significance (2); Likely benign (2). Last evaluated 2025-10-09.

Conditions:
Cardiovascular phenotype. Identifiers: MedGen CN230736.
Familial hypercholesterolemia. Also called: Familial hypercholesterolaemia; Familial hypercholesterolemias. Identifiers: MedGen C0020445, MONDO:0005439.
Hypercholesterolemia, autosomal dominant, 3 (FHCL3). Also called: PCSK9-Related Familial Hypercholesterolemia, Autosomal Dominant; Familial Hypercholesterolemia, Autosomal Dominant, 3; Familial hypercholesterolemia 3. Identifiers: MedGen C1863551, MONDO:0011369, OMIM 603776.

Submissions (4):

Labcorp Genetics (formerly Invitae), Labcorp
Classification: Likely benign for Hypercholesterolemia, autosomal dominant, 3. Last evaluated: 2025-10-09. Review status: criteria provided, single submitter. Criteria: Invitae Variant Classification Sherloc (09022015). Collection method: clinical testing. Allele origin: germline.

GeneDx
Classification: Uncertain significance. Last evaluated: 2025-07-11. Review status: criteria provided, single submitter. Criteria: GeneDx Variant Classification Process June 2021. Collection method: clinical testing. Allele origin: germline.
Comment: Has not been previously published as pathogenic or benign to our knowledge; In-frame insertion of 2 amino acids in a non-repeat region

Ambry Genetics
Classification: Uncertain significance for Cardiovascular phenotype. Last evaluated: 2024-03-01. Review status: criteria provided, single submitter. Criteria: Ambry Variant Classification Scheme 2023. Collection method: clinical testing. Allele origin: germline.
Comment: The c.101_106dupAGGACG variant (also known as p.E34_D35dup), located in coding exon 1 of the PCSK9 gene, results from an in-frame duplication of AGGACG at nucleotide positions 101 to 106. This results in the duplication of 2 extra residues (ED) between codons 34 and 35. This amino acid positions are well conserved in available vertebrate species. In addition, this alteration is predicted to be neutral by in silico analysis (Choi Y et al. PLoS ONE. 2012; 7(10):e46688). Based on the available evidence, the clinical significance of this alteration remains unclear.

Color Diagnostics, LLC DBA Color Health
Classification: Likely benign for Familial hypercholesterolemia. Last evaluated: 2018-11-29. Review status: criteria provided, single submitter. Criteria: ACMG Guidelines, 2015. Collection method: clinical testing. Allele origin: germline.